The following is an entry in ClinVar:

NM_001292063.2(OTOG):c.6928C>A (p.Arg2310Ser)

Gene: OTOG (otogelin; plus strand). Cytogenetic location: 11p15.1.
Variant type: single nucleotide variant.
Coding change: c.6928C>A on transcript NM_001292063.2 (MANE Select); coding-DNA position 6928, C replaced by A.
Protein change: p.Arg2310Ser; replaces arginine 2310 with serine.
Molecular consequence: missense variant.
Genome position (GRCh38, 1-based): chr11:17,631,917, C>A. VCF-style: chr11-17631917-C-A. GRCh37 (hg19) VCF-style: chr11-17653464-C-A.
Other names: c.6964C>A, p.Arg2322Ser (NM_001277269.2); short protein forms R2322S, R2310S.
Identifiers: ClinVar variation 1355238 (VCV001355238.8), dbSNP rs896254817, ClinGen allele CA218495975.

ClinVar aggregate classification (germline): Uncertain significance (1 of 4 stars; one submission).

gnomAD v4.1: 17 of 1,549,504 alleles (0.0011%); highest among the groups gnomAD compares: Admixed American, 0.0039%; no homozygotes.

Submission:

Labcorp Genetics (formerly Invitae), Labcorp
Classification: Uncertain significance. Last evaluated: 2021-06-06. Review status: criteria provided, single submitter. Criteria: Invitae Variant Classification Sherloc (09022015). Collection method: clinical testing. Allele origin: germline.
Comment: This sequence change replaces arginine with serine at codon 2322 of the OTOG protein (p.Arg2322Ser). The arginine residue is moderately conserved and there is a moderate physicochemical difference between arginine and serine. The frequency data for this variant in the population databases is considered unreliable, as metrics indicate insufficient coverage at this position in the ExAC database. This variant has not been reported in the literature in individuals with OTOG-related conditions. Algorithms developed to predict the effect of missense changes on protein structure and function output the following: SIFT: "Tolerated"; PolyPhen-2: "Benign"; Align-GVGD: "Class C0". The serine amino acid residue is found in multiple mammalian species, suggesting that this missense change does not adversely affect protein function. These predictions have not been confirmed by published functional studies and their clinical significance is uncertain. Algorithms developed to predict the effect of sequence changes on RNA splicing suggest that this variant may create or strengthen a splice site, but this prediction has not been confirmed by published transcriptional studies. In summary, the available evidence is currently insufficient to determine the role of this variant in disease. Therefore, it has been classified as a Variant of Uncertain Significance.